The following is an entry in ClinVar:

NM_001130438.3(SPTAN1):c.2731C>T (p.Pro911Ser)

Gene: SPTAN1 (spectrin alpha, non-erythrocytic 1; plus strand). Cytogenetic location: 9q34.11.
Variant type: single nucleotide variant.
Coding change: c.2731C>T on transcript NM_001130438.3 (MANE Select); coding-DNA position 2731, C replaced by T.
Protein change: p.Pro911Ser; replaces proline 911 with serine.
Molecular consequence: missense variant.
Genome position (GRCh38, 1-based): chr9:128,585,918, C>T. VCF-style: chr9-128585918-C-T. GRCh37 (hg19) VCF-style: chr9-131348197-C-T.
Other names: c.2731C>T, p.Pro911Ser (NM_001195532.2, NM_001363759.2, NM_001363765.2 and 5 more transcripts); c.2767C>T, p.Pro923Ser (NM_001375312.2, NM_001375318.1); short protein forms P911S, P923S.
Identifiers: ClinVar variation 3344072 (VCV003344072.1).

ClinVar aggregate classification (germline): Uncertain significance (0 of 4 stars; one submission).

Conditions:
SPTAN1-related disorder. Also called: SPTAN1-related disorders; SPTAN1-related condition.

Submission:

PreventionGenetics, part of Exact Sciences
Classification: Uncertain significance for SPTAN1-related condition. Last evaluated: 2024-05-17. Review status: no assertion criteria provided. Collection method: clinical testing. Allele origin: germline.
Comment: The SPTAN1 c.2731C>T variant is predicted to result in the amino acid substitution p.Pro911Ser. To our knowledge, this variant has not been reported in the literature or in a large population database, indicating this variant is rare. At this time, the clinical significance of this variant is uncertain due to the absence of conclusive functional and genetic evidence.